The following is an entry in ClinVar:

NM_000254.3(MTR):c.*3682T>G

Gene: MTR (5-methyltetrahydrofolate-homocysteine methyltransferase; plus strand). Cytogenetic location: 1q43.
Variant type: single nucleotide variant.
Coding change: c.*3682T>G on transcript NM_000254.3 (MANE Select); 3682 bases downstream of the stop codon, T replaced by G.
Molecular consequence: 3 prime UTR variant.
Genome position (GRCh38, 1-based): chr1:236,901,326, T>G. VCF-style: chr1-236901326-T-G. GRCh37 (hg19) VCF-style: chr1-237064626-T-G.
Other names: c.*3682T>G (NM_001291939.1, NM_001291940.2).
Identifiers: ClinVar variation 296655 (VCV000296655.6), dbSNP rs6676866, ClinGen allele CA10609703.
Genomic context (GRCh38, chr1:236,901,326, plus strand): 5'-TTGGCACACAGCTGGCTTTGCTAGGTTGAAGACAATGGGAGGTGTGGAAGACTTGTTGAC[T>G]CATTTAAAGAAGATTGGAGGGAAAGGTAGGATTGAGAGTGTTTCAGACAGAAAAAGGATT-3'

ClinVar aggregate classification (germline): Benign. Review status: criteria provided, multiple submitters, no conflicts (2 of 4 stars). 2 submissions from 2 submitters: Benign (2). Last evaluated 2018-01-13.

Conditions:
Disorders of Intracellular Cobalamin Metabolism. Identifiers: MedGen CN043592.

Allele frequency attached by ClinVar (database versions not stated): 1000 Genomes Project 30x 0.53919; 1000 Genomes Project 0.53974; TOPMed 0.55230; gnomAD 0.57357; gnomAD exomes 0.58571.
gnomAD v4.1: 85,524 of 151,946 alleles (56%); highest among the groups gnomAD compares: South Asian, 61%; 24,451 homozygotes.

Submissions (2):

Illumina Laboratory Services, Illumina
Classification: Benign for Disorders of Intracellular Cobalamin Metabolism. Last evaluated: 2018-01-13. Review status: criteria provided, single submitter. Criteria: ICSL Variant Classification Criteria 13 December 2019. Collection method: clinical testing. Allele origin: germline.
Comment: This variant was observed in the ICSL laboratory as part of a predisposition screen in an ostensibly healthy population. It had not been previously curated by ICSL or reported in the Human Gene Mutation Database (HGMD: prior to June 1st, 2018), and was therefore a candidate for classification through an automated scoring system. Utilizing variant allele frequency, disease prevalence and penetrance estimates, and inheritance mode, an automated score was calculated to assess if this variant is too frequent to cause the disease. Based on the score and internal cut-off values, a variant classified as benign is not then subjected to further curation. The score for this variant resulted in a classification of benign for this disease.

Breakthrough Genomics
Classification: Benign. Review status: criteria provided, single submitter. Criteria: ACMG Guidelines, 2015. Collection method: not provided. Allele origin: germline. Inheritance: Autosomal recessive inheritance. Affected: yes.